The following is an entry in ClinVar:

NM_004560.4(ROR2):c.1712A>G (p.His571Arg)

Gene: ROR2 (ROR family WNT receptor 2; minus strand). Cytogenetic location: 9q22.31.
Variant type: single nucleotide variant.
Coding change: c.1712A>G on transcript NM_004560.4 (MANE Select); coding-DNA position 1712, A replaced by G.
Protein change: p.His571Arg; replaces histidine 571 with arginine.
Molecular consequence: missense variant.
Genome position (GRCh38, 1-based): chr9:91,724,782, T>C on the plus strand (A>G on the coding strand, the complement: ROR2 is on the minus strand). VCF-style: chr9-91724782-T-C. GRCh37 (hg19) VCF-style: chr9-94487064-T-C.
Other names: short protein forms H571R.
Identifiers: ClinVar variation 289424 (VCV000289424.43), dbSNP rs376970201, ClinGen allele CA5120599.
Genomic context (GRCh38, chr9:91,724,782, plus strand): 5'-TCGGGGGGCTCCAGGGCGGACTTCACCGTGCGGTCATCATCGGTGCTGCCCACGTCCGAG[T>C]GCGGCGAGCGCATGACCAGGAATTCGTGGAGGTCGCCGTGCGAACAGTAGCTGAAGATCA-3'
Protein context (NP_004551.2, residues 561-581): LHEFLVMRSP[His571Arg]SDVGSTDDDR

ClinVar aggregate classification (germline): Benign/Likely benign. Review status: criteria provided, multiple submitters, no conflicts (2 of 4 stars). 6 submissions from 5 submitters: Benign (3); Likely benign (3). Last evaluated 2025-12-03.

Conditions:
Brachydactyly type B1 (BDB1). Identifiers: Orphanet 572385, Orphanet 93383, MedGen C1862112, MONDO:0007220, OMIM 113000.
Autosomal recessive Robinow syndrome (RRS1). Also called: COSTOVERTEBRAL SEGMENTATION DEFECT WITH MESOMELIA; COVESDEM SYNDROME; ROR2-Related Robinow Syndrome; ROBINOW SYNDROME, AUTOSOMAL RECESSIVE 1. Identifiers: Orphanet 1507, Orphanet 97360, MedGen C5399974, MONDO:0009999, OMIM 268310.

Allele frequency attached by ClinVar (database versions not stated): gnomAD 0.00005 and 0.00034; TOPMed 0.00008; gnomAD exomes 0.00115; ExAC 0.00121; 1000 Genomes Project 30x 0.00187; 1000 Genomes Project 0.00200.
gnomAD v4.1: 957 of 1,611,948 alleles (0.059%); highest among the groups gnomAD compares: South Asian, 0.95%; 15 homozygotes.

Submissions (6):

Labcorp Genetics (formerly Invitae), Labcorp
Classification: Benign. Last evaluated: 2025-12-03. Review status: criteria provided, single submitter. Criteria: Invitae Variant Classification Sherloc (09022015). Collection method: clinical testing. Allele origin: germline.

CeGaT Center for Human Genetics Tuebingen
Classification: Likely benign. Last evaluated: 2022-12-01. Review status: criteria provided, single submitter. Criteria: CeGaT Center For Human Genetics Tuebingen Variant Classification Criteria Version 2. Collection method: clinical testing. Allele origin: germline. Affected: yes. Observed: 1 variant allele.
Comment: ROR2: BS2

Fulgent Genetics
Classification: Likely benign for Brachydactyly type B1; Autosomal recessive Robinow syndrome. Last evaluated: 2021-10-20. Review status: criteria provided, single submitter. Criteria: ACMG Guidelines, 2015. Collection method: clinical testing. Allele origin: unknown.

Illumina Laboratory Services, Illumina
Classification: Benign for Brachydactyly type B1. Last evaluated: 2018-01-13. Review status: criteria provided, single submitter. Criteria: ICSL Variant Classification Criteria 13 December 2019. Collection method: clinical testing. Allele origin: germline.
Comment: This variant was observed in the ICSL laboratory as part of a predisposition screen in an ostensibly healthy population. It had not been previously curated by ICSL or reported in the Human Gene Mutation Database (HGMD: prior to June 1st, 2018), and was therefore a candidate for classification through an automated scoring system. Utilizing variant allele frequency, disease prevalence and penetrance estimates, and inheritance mode, an automated score was calculated to assess if this variant is too frequent to cause the disease. Based on the score and internal cut-off values, a variant classified as benign is not then subjected to further curation. The score for this variant resulted in a classification of benign for this disease.

Illumina Laboratory Services, Illumina
Classification: Likely benign for Autosomal recessive Robinow syndrome. Last evaluated: 2018-01-13. Review status: criteria provided, single submitter. Criteria: ICSL Variant Classification Criteria 13 December 2019. Collection method: clinical testing. Allele origin: germline.
Comment: This variant was observed in the ICSL laboratory as part of a predisposition screen in an ostensibly healthy population. It had not been previously curated by ICSL or reported in the Human Gene Mutation Database (HGMD: prior to June 1st, 2018), and was therefore a candidate for classification through an automated scoring system. Utilizing variant allele frequency, disease prevalence and penetrance estimates, and inheritance mode, an automated score was calculated to assess if this variant is too frequent to cause the disease. Based on the score and internal cut-off values, a variant classified as likely benign is not then subjected to further curation. The score for this variant resulted in a classification of likely benign for this disease.

Eurofins Ntd Llc (ga)
Classification: Benign. Last evaluated: 2016-08-30. Review status: criteria provided, single submitter. Criteria: EGL Classification Definitions 2015. Collection method: clinical testing. Allele origin: germline. Observed: 1 variant allele, 1 heterozygote.